The following is an entry in ClinVar:

NM_001089.3(ABCA3):c.2041G>T (p.Ala681Ser)

Gene: ABCA3 (ATP binding cassette subfamily A member 3; minus strand). Cytogenetic location: 16p13.3.
Variant type: single nucleotide variant.
Coding change: c.2041G>T on transcript NM_001089.3 (MANE Select); coding-DNA position 2041, G replaced by T.
Protein change: p.Ala681Ser; replaces alanine 681 with serine.
Molecular consequence: missense variant.
Genome position (GRCh38, 1-based): chr16:2,297,777, C>A on the plus strand (G>T on the coding strand, the complement: ABCA3 is on the minus strand). VCF-style: chr16-2297777-C-A. GRCh37 (hg19) VCF-style: chr16-2347778-C-A.
Other names: short protein forms A681S.
Identifiers: ClinVar variation 1784918 (VCV001784918.2), dbSNP rs753751884, ClinGen allele CA276829608.
Genomic context (GRCh38, chr16:2,297,777, plus strand): 5'-CCAGGTCGAGCAGGAGGGGAACCCACTGCCTCCAGTCCCACCGCCACACCTTGGAGCCTG[C>A]GATGAGGGCGATGCCGATGGAGAGCTTGCGCCTCATGCCCCCGCTCAGGAAGCGGCTCCG-3'
Protein context (NP_001080.2, residues 671-691): RKLSIGIALI[Ala681Ser]GSKVLILDEP

ClinVar aggregate classification (germline): Uncertain significance (1 of 4 stars; one submission).

Conditions:
Hereditary pulmonary alveolar proteinosis. Also called: Pulmonary surfactant metabolism dysfunction. Identifiers: Orphanet 264675, MedGen C3711368, MONDO:0012580.

gnomAD v4.1: 30 of 1,612,038 alleles (0.0019%); highest among the groups gnomAD compares: Non-Finnish European, 0.0024%; no homozygotes.

Submission:

Ambry Genetics
Classification: Uncertain significance for Hereditary pulmonary alveolar proteinosis. Last evaluated: 2021-12-13. Review status: criteria provided, single submitter. Criteria: Ambry Variant Classification Scheme 2023. Collection method: clinical testing. Allele origin: germline.
Comment: The p.A681S variant (also known as c.2041G>T), located in coding exon 13 of the ABCA3 gene, results from a G to T substitution at nucleotide position 2041. The alanine at codon 681 is replaced by serine, an amino acid with similar properties. This amino acid position is conserved. In addition, the in silico prediction for this alteration is inconclusive. Since supporting evidence is limited at this time, the clinical significance of this alteration remains unclear.